The following is an entry in ClinVar:

NM_000929.3(PLA2G5):c.133G>T (p.Gly45Cys)

Gene: PLA2G5 (phospholipase A2 group V; plus strand). Cytogenetic location: 1p36.13.
Variant type: single nucleotide variant.
Coding change: c.133G>T on transcript NM_000929.3 (MANE Select); coding-DNA position 133, G replaced by T.
Protein change: p.Gly45Cys; replaces glycine 45 with cysteine.
Molecular consequence: missense variant.
Genome position (GRCh38, 1-based): chr1:20,086,175, G>T. VCF-style: chr1-20086175-G-T. GRCh37 (hg19) VCF-style: chr1-20412668-G-T.
Other names: short protein forms G45C.
Identifiers: ClinVar variation 30160 (VCV000030160.8), dbSNP rs387906795, ClinGen allele CA128993.

ClinVar aggregate classification (germline): Conflicting classifications of pathogenicity. Review status: criteria provided, conflicting classifications (1 of 4 stars). 3 submissions from 3 submitters: Pathogenic (1); Uncertain significance (1). 1 of the submissions does not count toward it. Last evaluated 2025-02-27.

Conditions:
PLA2G5-related disorders.
Familial benign flecked retina. Identifiers: Orphanet 363989, MedGen C1856718, MONDO:0009235, OMIM 228980.

Allele frequency attached by ClinVar (database versions not stated): 1000 Genomes Project 0.00020; 1000 Genomes Project 30x 0.00016.

Submissions (3):

Labcorp Genetics (formerly Invitae), Labcorp
Classification: Uncertain significance. Last evaluated: 2025-02-27. Review status: criteria provided, single submitter. Criteria: Invitae Variant Classification Sherloc (09022015). Collection method: clinical testing. Allele origin: germline.
Comment: This sequence change replaces glycine, which is neutral and non-polar, with cysteine, which is neutral and slightly polar, at codon 45 of the PLA2G5 protein (p.Gly45Cys). This variant is present in population databases (rs387906795, gnomAD 0.06%). This missense change has been observed in individual(s) with benign fleck retina (PMID: 22137173, 25549071). It has also been observed to segregate with disease in related individuals. ClinVar contains an entry for this variant (Variation ID: 30160). An algorithm developed to predict the effect of missense changes on protein structure and function (PolyPhen-2) suggests that this variant is likely to be disruptive. In summary, the available evidence is currently insufficient to determine the role of this variant in disease. Therefore, it has been classified as a Variant of Uncertain Significance.

Blueprint Genetics
Classification: Pathogenic for PLA2G5-related disorders. Last evaluated: 2022-04-21. Review status: criteria provided, single submitter. Criteria: ACMG Guidelines, 2015. Collection method: clinical testing. Allele origin: germline. Affected: yes. Observed: 5 variant alleles.

OMIM
Classification: Affects for FLECK RETINA, FAMILIAL BENIGN. Last evaluated: 2011-12-09. Review status: no assertion criteria provided. Collection method: literature only. Allele origin: germline. Not counted in ClinVar's aggregate classification.

Literature cited by the submitters: PubMed 22137173 (cited by Labcorp Genetics (formerly Invitae), Labcorp and OMIM); PubMed 25549071 (cited by Labcorp Genetics (formerly Invitae), Labcorp).